The following is an entry in ClinVar:

NM_000257.4(MYH7):c.2819A>G (p.Lys940Arg)

Gene: MYH7 (myosin heavy chain 7; minus strand). Cytogenetic location: 14q11.2.
Variant type: single nucleotide variant.
Coding change: c.2819A>G on transcript NM_000257.4 (MANE Select); coding-DNA position 2819, A replaced by G.
Protein change: p.Lys940Arg; replaces lysine 940 with arginine.
Molecular consequence: missense variant.
Genome position (GRCh38, 1-based): chr14:23,424,010, T>C on the plus strand (A>G on the coding strand, the complement: MYH7 is on the minus strand). VCF-style: chr14-23424010-T-C. GRCh37 (hg19) VCF-style: chr14-23893219-T-C.
Other names: c.2819A>G, p.Lys940Arg (NM_001407004.1); short protein forms K940R.
Identifiers: ClinVar variation 2004162 (VCV002004162.1), dbSNP rs1892589863, ClinGen allele CA389046941.

ClinVar aggregate classification (germline): Uncertain significance (1 of 4 stars; one submission).

Conditions:
Hypertrophic cardiomyopathy. Also called: HYPERTROPHIC MYOCARDIOPATHY. Identifiers: Orphanet 217569, MedGen C0007194, MeSH D002312, MONDO:0005045, HP:0001639.

Allele frequency attached by ClinVar (database versions not stated): gnomAD 0.00001.
gnomAD v4.1: 4 of 1,614,138 alleles (0.00025%); highest among the groups gnomAD compares: South Asian, 0.0044%; no homozygotes.

Submission:

Labcorp Genetics (formerly Invitae), Labcorp
Classification: Uncertain significance for Hypertrophic cardiomyopathy. Last evaluated: 2022-06-10. Review status: criteria provided, single submitter. Criteria: Invitae Variant Classification Sherloc (09022015). Collection method: clinical testing. Allele origin: germline.
Comment: This sequence change replaces lysine, which is basic and polar, with arginine, which is basic and polar, at codon 940 of the MYH7 protein (p.Lys940Arg). This variant is not present in population databases (gnomAD no frequency). This variant has not been reported in the literature in individuals affected with MYH7-related conditions. Algorithms developed to predict the effect of missense changes on protein structure and function are either unavailable or do not agree on the potential impact of this missense change (SIFT: "Deleterious"; PolyPhen-2: "Benign"; Align-GVGD: "Class C25"). In summary, the available evidence is currently insufficient to determine the role of this variant in disease. Therefore, it has been classified as a Variant of Uncertain Significance.